The following is an entry in ClinVar:

NM_000426.4(LAMA2):c.8170C>G (p.Pro2724Ala)

Gene: LAMA2 (laminin subunit alpha 2; plus strand). Cytogenetic location: 6q22.33.
Variant type: single nucleotide variant.
Coding change: c.8170C>G on transcript NM_000426.4 (MANE Select); coding-DNA position 8170, C replaced by G.
Protein change: p.Pro2724Ala; replaces proline 2724 with alanine.
Molecular consequence: missense variant.
Genome position (GRCh38, 1-based): chr6:129,492,409, C>G. VCF-style: chr6-129492409-C-G. GRCh37 (hg19) VCF-style: chr6-129813554-C-G.
Other names: c.8158C>G, p.Pro2720Ala (NM_001079823.2); short protein forms P2720A, P2724A.
Identifiers: ClinVar variation 1462962 (VCV001462962.5), dbSNP rs759439358, ClinGen allele CA3994755.

ClinVar aggregate classification (germline): Uncertain significance (1 of 4 stars; one submission).

Conditions:
LAMA2-related muscular dystrophy (LAMA2-RD). Also called: Laminin alpha 2-related dystrophy. Identifiers: MedGen C5679788, MONDO:0100228.

Allele frequency attached by ClinVar (database versions not stated): ExAC 0.00001.
gnomAD v4.1: 7 of 1,614,158 alleles (0.00043%); highest among the groups gnomAD compares: Non-Finnish European, 0.00059%; no homozygotes.

Submission:

Labcorp Genetics (formerly Invitae), Labcorp
Classification: Uncertain significance for LAMA2-related muscular dystrophy. Last evaluated: 2021-08-26. Review status: criteria provided, single submitter. Criteria: Invitae Variant Classification Sherloc (09022015). Collection method: clinical testing. Allele origin: germline.
Comment: This sequence change replaces proline with alanine at codon 2724 of the LAMA2 protein (p.Pro2724Ala). The proline residue is weakly conserved and there is a small physicochemical difference between proline and alanine. This variant is present in population databases (rs759439358, ExAC 0.002%). This variant has not been reported in the literature in individuals affected with LAMA2-related conditions. Algorithms developed to predict the effect of missense changes on protein structure and function (SIFT, PolyPhen-2, Align-GVGD) all suggest that this variant is likely to be tolerated. In summary, the available evidence is currently insufficient to determine the role of this variant in disease. Therefore, it has been classified as a Variant of Uncertain Significance.